The following is an entry in ClinVar:

NM_000203.5(IDUA):c.1096_1099del (p.Thr366fs)

Gene: IDUA (alpha-L-iduronidase; plus strand). Cytogenetic location: 4p16.3.
Variant type: Deletion.
Coding change: c.1096_1099del on transcript NM_000203.5 (MANE Select); coding-DNA positions 1096 to 1099, 4 bases deleted (ACCG; older notation c.1096_1099delACCG).
Protein change: p.Thr366fs; shifts the reading frame from threonine 366.
Molecular consequence: frameshift variant. On other transcripts: non-coding transcript variant (1).
Genome position (GRCh38, 1-based): chr4:1,002,392-1,002,395, ACCG deleted. VCF-style (leftmost placement, unchanged base first): chr4-1002391-CACCG-C. GRCh37 (hg19) VCF-style: chr4-996179-CACCG-C.
Other names: c.700_703del, p.Thr234fs (NM_001363576.1); short protein forms T234fs, T366fs.
Identifiers: ClinVar variation 1065522 (VCV001065522.6), dbSNP rs2153022399, ClinGen allele CA2499217017.

ClinVar aggregate classification (germline): Pathogenic/Likely pathogenic. Review status: criteria provided, multiple submitters, no conflicts (2 of 4 stars). 2 submissions from 2 submitters: Pathogenic (1); Likely pathogenic (1). Last evaluated 2021-02-13.

Conditions:
Hurler syndrome. Also called: MUCOPOLYSACCHARIDOSIS TYPE IH; Severe MPS I (Hurler Syndrome); Gargoylism, Hurler Syndrome. Identifiers: Orphanet 93473, MedGen C0086795, MONDO:0011758, OMIM 607014.
Mucopolysaccharidosis, MPS-I-H/S. Also called: Mucopolysaccharidosis type IH/S. Identifiers: Orphanet 93476, MedGen C0086431, MONDO:0011759, OMIM 607015.

Submissions (2):

Foundation for Research in Genetics and Endocrinology, FRIGE's Institute of Human Genetics
Classification: Pathogenic for Hurler syndrome. Last evaluated: 2021-02-13. Review status: criteria provided, single submitter. Criteria: ACMG Guidelines, 2015. Collection method: clinical testing. Allele origin: germline. Inheritance: Autosomal recessive inheritance. Affected: yes. Observed: 1 variant allele, 1 homozygote.
Comment: A homozygous 4 base pair deletion in exon 8 of the IDUA gene that results in a frameshift and premature truncation of the protein 73 amino acids downstream to codon 366 was detected. The observed variant c.1096_1099del (p.Thr366Argfster73) has not been reported in the 1000 genomes and ExAC databases. The in silico prediction of the variant is damaging by MutationTaster2. The reference codon is conserved across species. In summary, the variant meets our criteria to be classified as pathogenic.

Neuberg Centre For Genomic Medicine, NCGM
Classification: Likely pathogenic for Mucopolysaccharidosis, MPS-I-H/S. Review status: criteria provided, single submitter. Criteria: ACMG Guidelines, 2015. Collection method: clinical testing. Allele origin: germline. Inheritance: Autosomal recessive inheritance. Affected: yes.
Comment: The frameshift c.1096_1099del p.Thr366ArgfsTer73 variant in the IDUA gene has not been reported previously as a pathogenic variant nor as a benign variant, to our knowledge. This variant is novel not in any individuals in gnomAD Exomes and 1000 Genomes. This variant has been reported to the ClinVar database as Pathogenic. However no details are available for independent assessment. This variant causes a frameshift starting with codon Threonine 366, changes this amino acid to Arginine residue, and creates a premature Stop codon at position 73 of the new reading frame, denoted p.Thr366ArgfsTer73. This variant is predicted to cause loss of normal protein function through protein truncation. Loss of function variants have been previously reported to be disease causing. For these reasons, this variant has been classified as Likely Pathogenic.